The following is an entry in ClinVar:

ClinVar aggregate classification (germline): Uncertain significance (1 of 4 stars; one submission).

Conditions:
PLXNA1-related disorder. Also called: PLXNA1-related condition.

gnomAD v4.1: 2 of 1,613,446 alleles (0.00012%); highest among the groups gnomAD compares: Middle Eastern, 0.017%; no homozygotes.

Submission:

PreventionGenetics, part of Exact Sciences
Classification: Uncertain significance for PLXNA1-related condition. Last evaluated: 2025-06-24. Review status: criteria provided, single submitter. Criteria: ACMG Guidelines, 2015. Collection method: clinical testing. Allele origin: germline.
Comment: The PLXNA1 c.2243T>A variant is predicted to result in the amino acid substitution p.Ile748Asn. To our knowledge, this variant has not been reported in the literature or in a large population database, indicating this variant is rare. At this time, the clinical significance of this variant is uncertain due to the absence of conclusive functional and genetic evidence.

NM_032242.4(PLXNA1):c.2243T>A (p.Ile748Asn)

Gene: PLXNA1 (plexin A1; plus strand). Cytogenetic location: 3q21.3.
Variant type: single nucleotide variant.
Coding change: c.2243T>A on transcript NM_032242.4 (MANE Select); coding-DNA position 2243, T replaced by A.
Protein change: p.Ile748Asn; replaces isoleucine 748 with asparagine.
Molecular consequence: missense variant.
Genome position (GRCh38, 1-based): chr3:127,012,088, T>A. VCF-style: chr3-127012088-T-A. GRCh37 (hg19) VCF-style: chr3-126730931-T-A.
Other names: short protein forms I748N.
Identifiers: ClinVar variation 4985079 (VCV004985079.1).